The following is an entry in ClinVar:

NM_001242896.3(DEPDC5):c.2557T>G (p.Trp853Gly)

Gene: DEPDC5 (DEP domain containing 5, GATOR1 subcomplex subunit; plus strand). Cytogenetic location: 22q12.3.
Variant type: single nucleotide variant.
Coding change: c.2557T>G on transcript NM_001242896.3 (MANE Select); coding-DNA position 2557, T replaced by G.
Protein change: p.Trp853Gly; replaces tryptophan 853 with glycine.
Molecular consequence: missense variant. On other transcripts: non-coding transcript variant (5).
Genome position (GRCh38, 1-based): chr22:31,843,136, T>G. VCF-style: chr22-31843136-T-G. GRCh37 (hg19) VCF-style: chr22-32239122-T-G.
Other names: c.2530T>G, p.Trp844Gly (NM_001136029.4, NM_001369903.1, NM_014662.6); c.2323T>G, p.Trp775Gly (NM_001242897.2, NM_001363854.2, NM_001364319.2); c.2557T>G, p.Trp853Gly (NM_001363852.2, NM_001364318.2, NM_001364320.2); c.2473T>G, p.Trp825Gly (NM_001369901.1, NM_001369902.1); short protein forms W825G, W775G, W844G, W853G.
Identifiers: ClinVar variation 2049824 (VCV002049824.4), dbSNP rs1399971623, ClinGen allele CA411288524.

ClinVar aggregate classification (germline): Uncertain significance (1 of 4 stars; one submission).

Conditions:
Familial focal epilepsy with variable foci (FPEVF). Identifiers: Orphanet 98820, MedGen C1858477, MONDO:0020310.

Allele frequency attached by ClinVar (database versions not stated): gnomAD exomes below 0.00001; TOPMed below 0.00001.
gnomAD v4.1: 1 of 1,614,114 alleles (0.000062%); highest among the groups gnomAD compares: Admixed American, 0.0017%; no homozygotes.

Submission:

Labcorp Genetics (formerly Invitae), Labcorp
Classification: Uncertain significance for Familial focal epilepsy with variable foci. Last evaluated: 2022-11-12. Review status: criteria provided, single submitter. Criteria: Invitae Variant Classification Sherloc (09022015). Collection method: clinical testing. Allele origin: germline.
Comment: This variant has not been reported in the literature in individuals affected with DEPDC5-related conditions. This sequence change replaces tryptophan, which is neutral and slightly polar, with glycine, which is neutral and non-polar, at codon 853 of the DEPDC5 protein (p.Trp853Gly). This variant is present in population databases (no rsID available, gnomAD 0.003%). Algorithms developed to predict the effect of missense changes on protein structure and function are either unavailable or do not agree on the potential impact of this missense change (SIFT: "Deleterious"; PolyPhen-2: "Not Available"; Align-GVGD: "Class C15"). In summary, the available evidence is currently insufficient to determine the role of this variant in disease. Therefore, it has been classified as a Variant of Uncertain Significance.